The following is an entry in ClinVar:

NM_001099403.2(PRDM8):c.919A>G (p.Thr307Ala)

Gene: PRDM8 (PR/SET domain 8; plus strand). Cytogenetic location: 4q21.21.
Variant type: single nucleotide variant.
Coding change: c.919A>G on transcript NM_001099403.2 (MANE Select); coding-DNA position 919, A replaced by G.
Protein change: p.Thr307Ala; replaces threonine 307 with alanine.
Molecular consequence: missense variant.
Genome position (GRCh38, 1-based): chr4:80,202,381, A>G. VCF-style: chr4-80202381-A-G. GRCh37 (hg19) VCF-style: chr4-81123535-A-G.
Other names: c.919A>G, p.Thr307Ala (NM_020226.4); short protein forms T307A.
Identifiers: ClinVar variation 1485368 (VCV001485368.5), dbSNP rs1487456427, ClinGen allele CA357396831.

ClinVar aggregate classification (germline): Uncertain significance (1 of 4 stars; one submission).

Conditions:
Early-onset Lafora body disease. Also called: Epilepsy, progressive myoclonic, 10. Identifiers: Orphanet 324290, MedGen C4225258, MONDO:0014717, OMIM 616640.

Allele frequency attached by ClinVar (database versions not stated): gnomAD 0.00001.

Submission:

Labcorp Genetics (formerly Invitae), Labcorp
Classification: Uncertain significance for Early-onset Lafora body disease. Last evaluated: 2022-06-20. Review status: criteria provided, single submitter. Criteria: Invitae Variant Classification Sherloc (09022015). Collection method: clinical testing. Allele origin: germline.
Comment: This sequence change replaces threonine, which is neutral and polar, with alanine, which is neutral and non-polar, at codon 307 of the PRDM8 protein (p.Thr307Ala). This variant is present in population databases (no rsID available, gnomAD 0.004%). This variant has not been reported in the literature in individuals affected with PRDM8-related conditions. Algorithms developed to predict the effect of missense changes on protein structure and function output the following: SIFT: "Tolerated"; PolyPhen-2: "Benign"; Align-GVGD: "Class C0". The alanine amino acid residue is found in multiple mammalian species, which suggests that this missense change does not adversely affect protein function. In summary, the available evidence is currently insufficient to determine the role of this variant in disease. Therefore, it has been classified as a Variant of Uncertain Significance.